The following is an entry in ClinVar:

ClinVar aggregate classification (germline): Pathogenic (1 of 4 stars; one submission).

Conditions:
Brain malformations with or without urinary tract defects. Also called: Brain malformations and urinary tract defects. Identifiers: MedGen C4478940, MONDO:0100478, OMIM 613735.

Submission:

Women's Health and Genetics/Laboratory Corporation of America, LabCorp
Classification: Pathogenic for Brain malformations with or without urinary tract defects. Last evaluated: 2026-03-26. Review status: criteria provided, single submitter. Criteria: LabCorp Variant Classification Summary - May 2015. Collection method: clinical testing. Allele origin: germline.
Comment: Variant summary: The variant involves the deletion of exon 2 in the NFIA gene. A presumed nomenclature of c.(27+1_28-1)_(559+1_560-1)del has been designated for the purposes of this classification. This Copy Number Variant (CNV) is expected to alter the reading frame and predicted to result in a truncation or absence of the encoded protein due to nonsense mediated decay (NMD). Loss-of-function variants in this gene are known to be pathogenic. The variant was absent in 21694 control chromosomes. To our knowledge, no occurrence of c.(27+1_28-1)_(559+1_560-1)del in individuals affected with NFIA-related conditions and no experimental evidence demonstrating its impact on protein function have been reported. ClinVar contains an entry for this variant (Variation ID: 685456). Based on the evidence outlined above, the variant was classified as pathogenic.

NC_000001.10:g.(61548491_61553820)_(61554353_61743191)del

Gene: NFIA (nuclear factor I A; plus strand). Cytogenetic location: 1p31.3.
Variant type: Deletion.
Identifiers: ClinVar variation 4847666 (VCV004847666.1).